The following is an entry in ClinVar:

NM_013254.4(TBK1):c.1028C>G (p.Thr343Ser)

Gene: TBK1 (TANK binding kinase 1; plus strand). Cytogenetic location: 12q14.2.
Variant type: single nucleotide variant.
Coding change: c.1028C>G on transcript NM_013254.4 (MANE Select); coding-DNA position 1028, C replaced by G.
Protein change: p.Thr343Ser; replaces threonine 343 with serine.
Molecular consequence: missense variant.
Genome position (GRCh38, 1-based): chr12:64,484,338, C>G. VCF-style: chr12-64484338-C-G. GRCh37 (hg19) VCF-style: chr12-64878118-C-G.
Other names: short protein forms T343S.
Identifiers: ClinVar variation 2085030 (VCV002085030.4), dbSNP rs756083816, ClinGen allele CA6668957.

ClinVar aggregate classification (germline): Uncertain significance (1 of 4 stars; one submission).

Conditions:
Frontotemporal dementia and/or amyotrophic lateral sclerosis 4. Also called: FTDALS4. Identifiers: Orphanet 275872, MedGen C4225325, MONDO:0014641, OMIM 616439.

Allele frequency attached by ClinVar (database versions not stated): gnomAD exomes below 0.00001; gnomAD 0.00001; ExAC 0.00002.
gnomAD v4.1: 3 of 1,613,274 alleles (0.00019%); highest among the groups gnomAD compares: Non-Finnish European, 0.00025%; no homozygotes.

Submission:

Labcorp Genetics (formerly Invitae), Labcorp
Classification: Uncertain significance for Frontotemporal dementia and/or amyotrophic lateral sclerosis 4. Last evaluated: 2022-03-05. Review status: criteria provided, single submitter. Criteria: Invitae Variant Classification Sherloc (09022015). Collection method: clinical testing. Allele origin: germline.
Comment: In summary, the available evidence is currently insufficient to determine the role of this variant in disease. Therefore, it has been classified as a Variant of Uncertain Significance. Advanced modeling of protein sequence and biophysical properties (such as structural, functional, and spatial information, amino acid conservation, physicochemical variation, residue mobility, and thermodynamic stability) performed at Invitae indicates that this missense variant is not expected to disrupt TBK1 protein function. This variant has not been reported in the literature in individuals affected with TBK1-related conditions. This variant is present in population databases (rs756083816, gnomAD 0.003%). This sequence change replaces threonine, which is neutral and polar, with serine, which is neutral and polar, at codon 343 of the TBK1 protein (p.Thr343Ser).